The following is an entry in ClinVar:

NM_001382567.1(STIM1):c.167G>C (p.Cys56Ser)

Gene: STIM1 (stromal interaction molecule 1; plus strand). Cytogenetic location: 11p15.4.
Variant type: single nucleotide variant.
Coding change: c.167G>C on transcript NM_001382567.1 (MANE Select); coding-DNA position 167, G replaced by C.
Protein change: p.Cys56Ser; replaces cysteine 56 with serine.
Molecular consequence: missense variant. On other transcripts: 5 prime UTR variant (8), non-coding transcript variant (3), intron variant (4).
Genome position (GRCh38, 1-based): chr11:3,967,579, G>C. VCF-style: chr11-3967579-G-C. GRCh37 (hg19) VCF-style: chr11-3988809-G-C.
Other names: c.167G>C, p.Cys56Ser (NM_001277961.3, NM_001277962.2, NM_001382568.1 and 3 more transcripts); c.-56G>C (NM_001382566.1, NM_001382573.1, NM_001382574.1 and 5 more transcripts); c.-219-56294G>C (NM_001382580.1, NM_001382581.1); c.136-56294G>C (NM_001382569.1); c.-98-56294G>C (NM_001382571.1); short protein forms C56S.
Identifiers: ClinVar variation 5010117 (VCV005010117.1).

ClinVar aggregate classification (germline): Uncertain significance (1 of 4 stars; one submission).

Submission:

GeneDx
Classification: Uncertain significance. Last evaluated: 2026-03-02. Review status: criteria provided, single submitter. Criteria: GeneDx Variant Classification Process June 2021. Collection method: clinical testing. Allele origin: germline.
Comment: Functional study shows destabilization and weakened calcium binding compared to wild type; however, additional studies are needed to assess overall protein function (PMID: 36332662); Functional studies in combination with p.C49S variant show prevention of NO-dependent suppression of STIM1activation, NO-mediated stabilization of STIM1, and NO-dependent suppression of TRPC3 current (PMID: 29705071, 38472628, 29661937); In silico analysis supports that this missense variant has a deleterious effect on protein structure/function; Not observed at significant frequency in large population cohorts (gnomAD); This variant is associated with the following publications: (PMID: 38472628, 29705071, 29661937, 36332662)